The following is an entry in ClinVar:

NM_004612.4(TGFBR1):c.673C>G (p.Arg225Gly)

Gene: TGFBR1 (transforming growth factor beta receptor 1; plus strand). Cytogenetic location: 9q22.33.
Variant type: single nucleotide variant.
Coding change: c.673C>G on transcript NM_004612.4 (MANE Select); coding-DNA position 673, C replaced by G.
Protein change: p.Arg225Gly; replaces arginine 225 with glycine.
Molecular consequence: missense variant. On other transcripts: non-coding transcript variant (4), intron variant (2).
Genome position (GRCh38, 1-based): chr9:99,137,957, C>G. VCF-style: chr9-99137957-C-G. GRCh37 (hg19) VCF-style: chr9-101900239-C-G.
Other names: c.442C>G, p.Arg148Gly (NM_001130916.3); c.685C>G, p.Arg229Gly (NM_001306210.2, NM_001407416.1); c.673C>G, p.Arg225Gly (NM_001407417.1); c.478C>G, p.Arg160Gly (NM_001407418.1, NM_001407419.1, NM_001407420.1 and 1 more transcripts); c.466C>G, p.Arg156Gly (NM_001407423.1, NM_001407424.1, NM_001407425.1 and 8 more transcripts); c.427C>G, p.Arg143Gly (NM_001407436.1); c.196C>G, p.Arg66Gly (NM_001407438.1); c.575-4579C>G (NM_001407435.1); and 1 more; short protein forms R229G, R160G, R156G, R66G, R143G, R148G, R225G.
Identifiers: ClinVar variation 3806422 (VCV003806422.8).

ClinVar aggregate classification (germline): Likely pathogenic. Review status: criteria provided, multiple submitters, no conflicts (2 of 4 stars). 3 submissions from 3 submitters: Likely pathogenic (3). Last evaluated 2025-10-02.

Conditions:
TGFBR1-related disorder. Also called: TGFBR1-related condition.
Familial thoracic aortic aneurysm and aortic dissection (TAAD). Also called: Thoracic aortic aneurysms and dissections. Identifiers: Orphanet 91387, MedGen C4707243, MONDO:0019625.
Loeys-Dietz syndrome 1 (LDS1). Also called: TGFBR1-Related Loeys-Dietz Syndrome; FURLONG SYNDROME; AORTIC ANEURYSM, FAMILIAL THORACIC 5. Identifiers: Orphanet 60030, MedGen C4551955, MONDO:0012212, OMIM 609192.

gnomAD v4.1: 1 of 1,613,914 alleles (0.000062%); no homozygotes.

Submissions (3):

Ambry Genetics
Classification: Likely pathogenic for Familial thoracic aortic aneurysm and aortic dissection. Last evaluated: 2025-10-02. Review status: criteria provided, single submitter. Criteria: Ambry Variant Classification Scheme 2023. Collection method: clinical testing. Allele origin: germline.
Comment: The p.R225G variant (also known as c.673C>G), located in coding exon 4 of the TGFBR1 gene, results from a C to G substitution at nucleotide position 673. The arginine at codon 225 is replaced by glycine, an amino acid with dissimilar properties. This variant was determined to be de novo or the result of germline mosaicism in at least one individual with features consistent with TGFBR1-related Loeys-Dietz syndrome (LDS) (Ambry internal data). This amino acid position is highly conserved in available vertebrate species. In addition, this alteration is predicted to be deleterious by in silico analysis. This variant is considered to be rare based on population cohorts in the Genome Aggregation Database (gnomAD). Based on the majority of available evidence to date, this variant is likely to be pathogenic for TGFBR1-related LDS; however, the association of this variant with an increased risk of multiple self-healing squamous epithelioma (MSSE) is unknown.

Institute of Human Genetics Munich, TUM University Hospital
Classification: Likely pathogenic for Loeys-Dietz syndrome 1. Last evaluated: 2025-03-03. Review status: criteria provided, single submitter. Criteria: Classification criteria August 2017. Collection method: clinical testing. Allele origin: germline. Inheritance: Autosomal dominant inheritance. Affected: yes. Observed: 1 variant allele.

Blueprint Genetics
Classification: Likely pathogenic for TGFBR1-related disorders. Last evaluated: 2020-04-10. Review status: criteria provided, single submitter. Criteria: ACMG Guidelines, 2015. Collection method: clinical testing. Allele origin: germline. Affected: yes. Observed: 5 variant alleles.